The following is an entry in ClinVar:

NM_000548.5(TSC2):c.1172T>A (p.Val391Glu)

Gene: TSC2 (TSC complex subunit 2; plus strand). Cytogenetic location: 16p13.3.
Variant type: single nucleotide variant.
Coding change: c.1172T>A on transcript NM_000548.5 (MANE Select); coding-DNA position 1172, T replaced by A.
Protein change: p.Val391Glu; replaces valine 391 with glutamic acid.
Molecular consequence: missense variant.
Genome position (GRCh38, 1-based): chr16:2,061,923, T>A. VCF-style: chr16-2061923-T-A. GRCh37 (hg19) VCF-style: chr16-2111924-T-A.
Other names: c.1172T>A, p.Val391Glu (NM_001077183.3, NM_001114382.3, NM_001363528.2 and 6 more transcripts); c.1061T>A, p.Val354Glu (NM_001318827.2, NM_001406670.1, NM_001406678.1); c.1025T>A, p.Val342Glu (NM_001318829.2, NM_001406675.1, NM_001406676.1 and 1 more transcripts); c.572T>A, p.Val191Glu (NM_001318831.2, NM_001406680.1, NM_001406682.1 and 6 more transcripts); c.1205T>A, p.Val402Glu (NM_001318832.2); c.1262T>A, p.Val421Glu (NM_001406667.1, NM_001406668.1); c.1160T>A, p.Val387Glu (NM_001406671.1, NM_001406673.1); c.1115T>A, p.Val372Glu (NM_001406677.1); and 4 more; short protein forms V237E, V354E, V372E, V421E, V342E, V391E, V402E, V387E.
Identifiers: ClinVar variation 1739949 (VCV001739949.2), dbSNP rs1414372155, ClinGen allele CA394320353.
Genomic context (GRCh38, chr16:2,061,923, plus strand): 5'-TACTGCAGACCTTGGACAGCCCGGAGCTCAGGACCATCGTCCATGACCTGTTGACCACGG[T>A]GGAGGAGCTGTGTGACCAGAACGAGTTCCACGGGTCTCAGGAGAGATACTTTGAACTGGT-3'
Protein context (NP_000539.2, residues 381-401): RTIVHDLLTT[Val391Glu]EELCDQNEFH

ClinVar aggregate classification (germline): Likely pathogenic (1 of 4 stars; one submission).

Conditions:
Hereditary cancer-predisposing syndrome. Also called: Hereditary Cancer Syndrome; Hereditary neoplastic syndrome; Neoplastic Syndromes, Hereditary; Tumor predisposition. Identifiers: Orphanet 140162, MedGen C0027672, MeSH D009386, MONDO:0015356.

Submission:

Ambry Genetics
Classification: Likely pathogenic for Hereditary cancer-predisposing syndrome. Last evaluated: 2019-03-29. Review status: criteria provided, single submitter. Criteria: Ambry Variant Classification Scheme 2023. Collection method: clinical testing. Allele origin: germline.
Comment: The p.V391E variant (also known as c.1172T>A), located in coding exon 11 of the TSC2 gene, results from a T to A substitution at nucleotide position 1172. The valine at codon 391 is replaced by glutamic acid, an amino acid with dissimilar properties. This variant has been determined to be the result of a de novo mutation or germline mosaicism in one family with an isolated case of tuberous sclerosis complex (Ambry internal data). This variant was not reported in population-based cohorts in the Genome Aggregation Database (gnomAD). This amino acid position is well conserved in available vertebrate species. In addition, this alteration is predicted to be deleterious by in silico analysis. Based on the majority of available evidence to date, this variant is likely to be pathogenic.